The following is an entry in ClinVar:

ClinVar aggregate classification (germline): Uncertain significance (1 of 4 stars; one submission).

Conditions:
Genitopatellar syndrome (GTPTS). Also called: Genitopatellar syndrome (GPS); ABSENT PATELLAE, SCROTAL HYPOPLASIA, RENAL ANOMALIES, FACIAL DYSMORPHISM, AND MENTAL RETARDATION. Identifiers: Orphanet 85201, MedGen C1853566, MONDO:0011640, OMIM 606170.

Submission:

Labcorp Genetics (formerly Invitae), Labcorp
Classification: Uncertain significance for Genitopatellar syndrome. Last evaluated: 2025-04-02. Review status: criteria provided, single submitter. Criteria: Invitae Variant Classification Sherloc (09022015). Collection method: clinical testing. Allele origin: germline.
Comment: This sequence change replaces serine, which is neutral and polar, with isoleucine, which is neutral and non-polar, at codon 1487 of the KAT6B protein (p.Ser1487Ile). This variant is not present in population databases (gnomAD no frequency). This variant has not been reported in the literature in individuals affected with KAT6B-related conditions. Invitae Evidence Modeling of protein sequence and biophysical properties (such as structural, functional, and spatial information, amino acid conservation, physicochemical variation, residue mobility, and thermodynamic stability) indicates that this missense variant is not expected to disrupt KAT6B protein function with a negative predictive value of 80%. In summary, the available evidence is currently insufficient to determine the role of this variant in disease. Therefore, it has been classified as a Variant of Uncertain Significance.

NM_012330.4(KAT6B):c.4460G>T (p.Ser1487Ile)

Gene: KAT6B (lysine acetyltransferase 6B; plus strand). Cytogenetic location: 10q22.2.
Variant type: single nucleotide variant.
Coding change: c.4460G>T on transcript NM_012330.4 (MANE Select); coding-DNA position 4460, G replaced by T.
Protein change: p.Ser1487Ile; replaces serine 1487 with isoleucine.
Molecular consequence: missense variant.
Genome position (GRCh38, 1-based): chr10:75,029,284, G>T. VCF-style: chr10-75029284-G-T. GRCh37 (hg19) VCF-style: chr10-76789042-G-T.
Other names: c.3911G>T, p.Ser1304Ile (NM_001256468.2, NM_001370138.1); c.3584G>T, p.Ser1195Ile (NM_001256469.2, NM_001370139.1, NM_001370140.1 and 2 more transcripts); c.3422G>T, p.Ser1141Ile (NM_001370132.1); c.2771G>T, p.Ser924Ile (NM_001370133.1); c.2375G>T, p.Ser792Ile (NM_001370134.1); c.2117G>T, p.Ser706Ile (NM_001370135.1); c.4460G>T, p.Ser1487Ile (NM_001370136.1, NM_001370137.1); c.3395G>T, p.Ser1132Ile (NM_001370143.1, NM_001370144.1); short protein forms S1487I, S706I, S924I, S1132I, S1141I, S1195I, S1304I, S792I.
Identifiers: ClinVar variation 4748242 (VCV004748242.1).